The following is an entry in ClinVar:

ClinVar aggregate classification (germline): Likely benign (1 of 4 stars; one submission).

Conditions:
Breast-ovarian cancer, familial, susceptibility to, 1 (BROVCA1). Also called: OVARIAN CANCER, SUSCEPTIBILITY TO; BRCA1 Hereditary Breast and Ovarian Cancer. Identifiers: Orphanet 145, MedGen C2676676, MONDO:0011450, OMIM 604370. Disease mechanism: loss of function.

gnomAD v4.1: 1 of 1,614,148 alleles (0.000062%); highest among the groups gnomAD compares: South Asian, 0.0011%; no homozygotes.

Submission:

Cancer Bioinformatics and Tumour Evolution Laboratory, Monash University
Classification: Likely benign for Breast-ovarian cancer, familial, susceptibility to, 1. Last evaluated: 2026-05-01. Review status: criteria provided, single submitter. Criteria: ClinGen BRCA1 and BRCA2 Guidelines, 2024. Collection method: curation. Allele origin: germline. Inheritance: Autosomal dominant inheritance.
Comment: Missense variant outside of a functional domain with no splice impact. BRCA1 and BRCA2 VCEP guidelines recommend application of BP1_Strong (PMID: 39142283)

NM_007294.4(BRCA1):c.940G>A (p.Ala314Thr)

Gene: BRCA1 (BRCA1 DNA repair associated; minus strand). Cytogenetic location: 17q21.31.
Variant type: single nucleotide variant.
Coding change: c.940G>A on transcript NM_007294.4 (MANE Select); coding-DNA position 940, G replaced by A.
Protein change: p.Ala314Thr; replaces alanine 314 with threonine.
Molecular consequence: missense variant. On other transcripts: intron variant (137).
Genome position (GRCh38, 1-based): chr17:43,094,591, C>T on the plus strand (G>A on the coding strand, the complement: BRCA1 is on the minus strand). VCF-style: chr17-43094591-C-T. GRCh37 (hg19) VCF-style: chr17-41246608-C-T.
Other names: c.799G>A, p.Ala267Thr (NM_001407852.1, NM_001407728.1, NM_001407729.1 and 29 more transcripts); c.727G>A, p.Ala243Thr (NM_001407853.1, NM_001407894.1, NM_001407895.1 and 9 more transcripts); c.940G>A, p.Ala314Thr (NM_001407854.1, NM_001407858.1, NM_001407859.1 and 30 more transcripts); c.937G>A, p.Ala313Thr (NM_001407860.1, NM_001407861.1, NM_001407587.1 and 22 more transcripts); c.739G>A, p.Ala247Thr (NM_001407862.1); c.817G>A, p.Ala273Thr (NM_001407863.1, NM_001407939.1, NM_001407664.1 and 19 more transcripts); c.730G>A, p.Ala244Thr (NM_001407900.1, NM_001407902.1, NM_001407904.1 and 13 more transcripts); c.676G>A, p.Ala226Thr (NM_001407920.1, NM_001407921.1, NM_001407922.1 and 9 more transcripts); and 40 more; short protein forms A146T, A186T, A187T, A18T, A202T, A203T, A225T, A226T.
Identifiers: ClinVar variation 4856536 (VCV004856536.1).